The following is an entry in ClinVar:

NM_006904.7(PRKDC):c.6989T>C (p.Val2330Ala)

Gene: PRKDC (protein kinase, DNA-activated, catalytic subunit; minus strand). Cytogenetic location: 8q11.21.
Variant type: single nucleotide variant.
Coding change: c.6989T>C on transcript NM_006904.7 (MANE Select); coding-DNA position 6989, T replaced by C.
Protein change: p.Val2330Ala; replaces valine 2330 with alanine.
Molecular consequence: missense variant.
Genome position (GRCh38, 1-based): chr8:47,852,689, A>G on the plus strand (T>C on the coding strand, the complement: PRKDC is on the minus strand). VCF-style: chr8-47852689-A-G. GRCh37 (hg19) VCF-style: chr8-48765250-A-G.
Other names: c.6989T>C, p.Val2330Ala (NM_001081640.2); short protein forms V2330A.
Identifiers: ClinVar variation 2810626 (VCV002810626.3), dbSNP rs1480674989, ClinGen allele CA371158120.

ClinVar aggregate classification (germline): Uncertain significance (1 of 4 stars; one submission).

Conditions:
Severe combined immunodeficiency due to DNA-PKcs deficiency. Also called: IMMUNODEFICIENCY 26 WITH NEUROLOGIC ABNORMALITIES; Immunodeficiency 26 with or without neurologic abnormalities. Identifiers: Orphanet 317425, MedGen C4014833, MONDO:0014423, OMIM 615966.

Allele frequency attached by ClinVar (database versions not stated): gnomAD exomes below 0.00001; TOPMed 0.00001.
gnomAD v4.1: 1 of 1,570,260 alleles (0.000064%); highest among the groups gnomAD compares: Non-Finnish European, 0.000087%; no homozygotes.

Submission:

Labcorp Genetics (formerly Invitae), Labcorp
Classification: Uncertain significance for Severe combined immunodeficiency due to DNA-PKcs deficiency. Last evaluated: 2022-10-29. Review status: criteria provided, single submitter. Criteria: Invitae Variant Classification Sherloc (09022015). Collection method: clinical testing. Allele origin: germline.
Comment: In summary, the available evidence is currently insufficient to determine the role of this variant in disease. Therefore, it has been classified as a Variant of Uncertain Significance. Advanced modeling of protein sequence and biophysical properties (such as structural, functional, and spatial information, amino acid conservation, physicochemical variation, residue mobility, and thermodynamic stability) performed at Invitae indicates that this missense variant is not expected to disrupt PRKDC protein function. This variant has not been reported in the literature in individuals affected with PRKDC-related conditions. This variant is not present in population databases (gnomAD no frequency). This sequence change replaces valine, which is neutral and non-polar, with alanine, which is neutral and non-polar, at codon 2330 of the PRKDC protein (p.Val2330Ala).